The following is an entry in ClinVar:

ClinVar aggregate classification (germline): Uncertain significance (1 of 4 stars; one submission).

Allele frequency attached by ClinVar (database versions not stated): gnomAD 0.00006.
gnomAD v4.1: 35 of 1,613,964 alleles (0.0022%); highest among the groups gnomAD compares: Non-Finnish European, 0.001%; no homozygotes.

Submission:

Labcorp Genetics (formerly Invitae), Labcorp
Classification: Uncertain significance. Last evaluated: 2025-11-17. Review status: criteria provided, single submitter. Criteria: Invitae Variant Classification Sherloc (09022015). Collection method: clinical testing. Allele origin: germline.
Comment: This sequence change replaces proline, which is neutral and non-polar, with serine, which is neutral and polar, at codon 339 of the FBLN5 protein (p.Pro339Ser). This variant is present in population databases (rs201191163, gnomAD 0.03%). This variant has not been reported in the literature in individuals affected with FBLN5-related conditions. ClinVar contains an entry for this variant (Variation ID: 2784123). Invitae Evidence Modeling of protein sequence and biophysical properties (such as structural, functional, and spatial information, amino acid conservation, physicochemical variation, residue mobility, and thermodynamic stability) indicates that this missense variant is not expected to disrupt FBLN5 protein function with a negative predictive value of 80%. In summary, the available evidence is currently insufficient to determine the role of this variant in disease. Therefore, it has been classified as a Variant of Uncertain Significance.

NM_006329.4(FBLN5):c.1015C>T (p.Pro339Ser)

Gene: FBLN5 (fibulin 5; minus strand). Cytogenetic location: 14q32.12.
Variant type: single nucleotide variant.
Coding change: c.1015C>T on transcript NM_006329.4 (MANE Select); coding-DNA position 1015, C replaced by T.
Protein change: p.Pro339Ser; replaces proline 339 with serine.
Molecular consequence: missense variant.
Genome position (GRCh38, 1-based): chr14:91,877,657, G>A on the plus strand (C>T on the coding strand, the complement: FBLN5 is on the minus strand). VCF-style: chr14-91877657-G-A. GRCh37 (hg19) VCF-style: chr14-92344001-G-A.
Other names: c.1138C>T, p.Pro380Ser (NM_001384158.1); c.1066C>T, p.Pro356Ser (NM_001384159.1); c.1015C>T, p.Pro339Ser (NM_001384160.1); c.847C>T, p.Pro283Ser (NM_001384161.1, NM_001384162.1); short protein forms P339S, P356S, P380S, P283S.
Identifiers: ClinVar variation 2784123 (VCV002784123.3), dbSNP rs201191163, ClinGen allele CA7312635.
Genomic context (GRCh38, chr14:91,877,657, plus strand): 5'-GTCCTGACACCACGTCCATGTCCCGGTACAAGATGGTAAAGGGCTGGTCTCTGCAGCCAG[G>A]GTTCTCAGCAGGACACATACAGCGGCTGTGGAAAGGGAAATCACGTGAGAACTCAAGAAA-3'
Protein context (NP_006320.2, residues 329-349): DNRCMCPAEN[Pro339Ser]GCRDQPFTIL